The following is an entry in ClinVar:

ClinVar aggregate classification (germline): Uncertain significance. Review status: criteria provided, multiple submitters, no conflicts (2 of 4 stars). 2 submissions from 2 submitters: Uncertain significance (2). Last evaluated 2026-08-25.

Allele frequency attached by ClinVar (database versions not stated): TOPMed below 0.00001; ExAC 0.00003.
gnomAD v4.1: 7 of 1,585,568 alleles (0.00044%); highest among the groups gnomAD compares: Admixed American, 0.011%; no homozygotes.

Submissions (2):

GeneDx
Classification: Uncertain significance. Last evaluated: 2026-08-25. Review status: criteria provided, single submitter. Criteria: GeneDx Variant Classification Process June 2021. Collection method: clinical testing. Allele origin: germline.
Comment: In silico analysis suggests that this missense variant does not alter protein structure/function; Has not been previously published as pathogenic or benign to our knowledge

Ambry Genetics
Classification: Uncertain significance. Last evaluated: 2024-01-03. Review status: criteria provided, single submitter. Criteria: Ambry Variant Classification Scheme 2023. Collection method: clinical testing. Allele origin: germline.

NM_001606.5(ABCA2):c.736G>C (p.Glu246Gln)

Gene: ABCA2 (ATP binding cassette subfamily A member 2; minus strand). Cytogenetic location: 9q34.3.
Variant type: single nucleotide variant.
Coding change: c.736G>C on transcript NM_001606.5 (MANE Select); coding-DNA position 736, G replaced by C.
Protein change: p.Glu246Gln; replaces glutamic acid 246 with glutamine.
Molecular consequence: missense variant.
Genome position (GRCh38, 1-based): chr9:137,021,553, C>G on the plus strand (G>C on the coding strand, the complement: ABCA2 is on the minus strand). VCF-style: chr9-137021553-C-G. GRCh37 (hg19) VCF-style: chr9-139916005-C-G.
Other names: c.733G>C, p.Glu245Gln (NM_001411042.1); c.826G>C, p.Glu276Gln (NM_212533.3); short protein forms E276Q, E245Q, E246Q.
Identifiers: ClinVar variation 3098275 (VCV003098275.3), dbSNP rs747246369, ClinGen allele CA5355678.
Genomic context (GRCh38, chr9:137,021,553, plus strand): 5'-CCCGGTAGCCCTGCAGGGCTCCCTTCTGACTCTCAGGCACAGTGAGGATCCGGCCCAGCT[C>G]CCCCGAGCCCGGCGTGCAGGTGAGCTGCTCCAGGAGGGCAGGAGCCAGCAGCAGCTCCTG-3'
Protein context (NP_001597.2, residues 236-256): EQLTCTPGSG[Glu246Gln]LGRILTVPES